The following is an entry in ClinVar:

NM_000340.2(SLC2A2):c.1087G>T (p.Ala363Ser)

Gene: SLC2A2 (solute carrier family 2 member 2; minus strand). Cytogenetic location: 3q26.2.
Variant type: single nucleotide variant.
Coding change: c.1087G>T on transcript NM_000340.2 (MANE Select); coding-DNA position 1087, G replaced by T.
Protein change: p.Ala363Ser; replaces alanine 363 with serine.
Molecular consequence: missense variant.
Genome position (GRCh38, 1-based): chr3:170,999,148, C>A on the plus strand (G>T on the coding strand, the complement: SLC2A2 is on the minus strand). VCF-style: chr3-170999148-C-A. GRCh37 (hg19) VCF-style: chr3-170716937-C-A.
Other names: c.730G>T, p.Ala244Ser (NM_001278658.2); c.568G>T, p.Ala190Ser (NM_001278659.2); short protein forms A363S, A190S, A244S.
Identifiers: ClinVar variation 199012 (VCV000199012.23), dbSNP rs76362149, ClinGen allele CA019978.
Genomic context (GRCh38, chr3:170,999,148, plus strand): 5'-TGAAGATGGCACAAACAAACATCCCACTCATTCCAATTAGAAAGAGAGAACGTCGCCCTG[C>A]CTTCTCCACAAGGAATACCTAGGACAATTTTAAAGAAATTATCTCAGTTTTGTGAGTCAC-3'
Protein context (NP_000331.1, residues 353-373): TAVSVFLVEK[Ala363Ser]GRRSLFLIGM

ClinVar aggregate classification (germline): Conflicting classifications of pathogenicity. Review status: criteria provided, conflicting classifications (1 of 4 stars). 6 submissions from 6 submitters: Uncertain significance (3); Likely benign (2). 1 of the submissions does not count toward it. Last evaluated 2026-02-01.

Conditions:
SLC2A2-related disorder. Also called: SLC2A2-related condition.
Fanconi-Bickel syndrome (FBS). Also called: Glycogen storage disease due to GLUT2 deficiency; FANCONI SYNDROME WITH INTESTINAL MALABSORPTION AND GALACTOSE INTOLERANCE; HEPATIC GLYCOGENOSIS WITH AMINO ACIDURIA AND GLUCOSURIA; HEPATIC GLYCOGENOSIS WITH FANCONI NEPHROPATHY; HEPATORENAL GLYCOGENOSIS WITH RENAL FANCONI SYNDROME; PSEUDO-PHLORIZIN DIABETES. Identifiers: Orphanet 2088, MedGen C3495427, MONDO:0009216, OMIM 227810.

Allele frequency attached by ClinVar (database versions not stated): TOPMed 0.00076; ESP Exome Variant Server 0.00092; gnomAD 0.00111 and 0.00114; gnomAD exomes 0.00153 and 0.00162; ExAC 0.00162; 1000 Genomes Project 30x 0.00031; 1000 Genomes Project 0.00040.
gnomAD v4.1: 2,492 of 1,610,670 alleles (0.15%); highest among the groups gnomAD compares: Non-Finnish European, 0.18%; 2 homozygotes.

Submissions (6):

Labcorp Genetics (formerly Invitae), Labcorp
Classification: Likely benign for Fanconi-Bickel syndrome. Last evaluated: 2026-02-01. Review status: criteria provided, single submitter. Criteria: Invitae Variant Classification Sherloc (09022015). Collection method: clinical testing. Allele origin: germline.

ARUP Laboratories, Molecular Genetics and Genomics, ARUP Laboratories
Classification: Uncertain significance. Last evaluated: 2025-03-13. Review status: criteria provided, single submitter. Criteria: ARUP Molecular Germline Variant Investigation Process 2024. Collection method: clinical testing. Allele origin: germline.
Comment: The SLC2A2 c.1087G>T; p.Ala363Ser variant (rs76362149), to our knowledge, is not reported in the medical literature in association with SLC2A2-related disease but is reported in ClinVar (Variation ID: 199012). This variant is found in the Finnish European population with an allele frequency of 0.38% (96/25,122 alleles) in the Genome Aggregation Database (v2.1.1). Computational analyses are uncertain whether this variant is neutral or deleterious (REVEL: 0.438), and functional analyses report conflicting effects on localization and activity in different cell lines (Enogieru 2019). Due to limited information, the clinical significance of this variant is uncertain at this time. References: Enogieru OJ et al. Functional and structural analysis of rare SLC2A2 variants associated with Fanconi-Bickel syndrome and metabolic traits. Hum Mutat. 2019 Jul;40(7):983-995. PMID: 30950137.

GeneDx
Classification: Likely benign. Last evaluated: 2020-10-09. Review status: criteria provided, single submitter. Criteria: GeneDx Variant Classification Process June 2021. Collection method: clinical testing. Allele origin: germline. Affected: yes.
Comment: In silico analysis supports that this missense variant does not alter protein structure/function; Reported as a heterozygous SNP in an individual with myelomeningocele (Ruggiero et al., 2015); This variant is associated with the following publications: (PMID: 30950137, 25776730)

Illumina Laboratory Services, Illumina
Classification: Uncertain significance for Fanconi-Bickel syndrome. Last evaluated: 2017-04-27. Review status: criteria provided, single submitter. Criteria: ICSL Variant Classification Criteria 13 December 2019. Collection method: clinical testing. Allele origin: germline.

Eurofins Ntd Llc (ga)
Classification: Uncertain significance. Last evaluated: 2015-02-23. Review status: criteria provided, single submitter. Criteria: EGL Classification Definitions 2015. Collection method: clinical testing. Allele origin: germline. Observed: 1 variant allele, 1 heterozygote.

PreventionGenetics, part of Exact Sciences
Classification: Likely benign for SLC2A2-related condition. Last evaluated: 2024-09-11. Review status: no assertion criteria provided. Collection method: clinical testing. Allele origin: germline. Not counted in ClinVar's aggregate classification.
Comment: This variant is classified as likely benign based on ACMG/AMP sequence variant interpretation guidelines (Richards et al. 2015 PMID: 25741868, with internal and published modifications).